The following is an entry in ClinVar:

NM_016247.4(IMPG2):c.3674A>G (p.Asn1225Ser)

Gene: IMPG2 (interphotoreceptor matrix proteoglycan 2; minus strand). Cytogenetic location: 3q12.3.
Variant type: single nucleotide variant.
Coding change: c.3674A>G on transcript NM_016247.4 (MANE Select); coding-DNA position 3674, A replaced by G.
Protein change: p.Asn1225Ser; replaces asparagine 1225 with serine.
Molecular consequence: missense variant.
Genome position (GRCh38, 1-based): chr3:101,228,836, T>C on the plus strand (A>G on the coding strand, the complement: IMPG2 is on the minus strand). VCF-style: chr3-101228836-T-C. GRCh37 (hg19) VCF-style: chr3-100947680-T-C.
Other names: short protein forms N1225S.
Identifiers: ClinVar variation 1019821 (VCV001019821.9), dbSNP rs533644399, ClinGen allele CA2518683.

ClinVar aggregate classification (germline): Uncertain significance (1 of 4 stars; one submission).

Allele frequency attached by ClinVar (database versions not stated): gnomAD below 0.00001 and 0.00005; TOPMed 0.00001; gnomAD exomes 0.00005 and 0.00010; ExAC 0.00012; 1000 Genomes Project 0.00060; 1000 Genomes Project 30x 0.00062.
gnomAD v4.1: 92 of 1,614,054 alleles (0.0057%); highest among the groups gnomAD compares: South Asian, 0.085%; no homozygotes.

Submission:

Labcorp Genetics (formerly Invitae), Labcorp
Classification: Uncertain significance. Last evaluated: 2020-08-20. Review status: criteria provided, single submitter. Criteria: Invitae Variant Classification Sherloc (09022015). Collection method: clinical testing. Allele origin: germline.
Comment: This variant is present in population databases (rs533644399, ExAC 0.08%). This sequence change replaces asparagine with serine at codon 1225 of the IMPG2 protein (p.Asn1225Ser). The asparagine residue is moderately conserved and there is a small physicochemical difference between asparagine and serine. This variant has not been reported in the literature in individuals with IMPG2-related conditions. Algorithms developed to predict the effect of missense changes on protein structure and function output the following: SIFT: "Tolerated"; PolyPhen-2: "Benign"; Align-GVGD: "Class C0". The serine amino acid residue is found in multiple mammalian species, suggesting that this missense change does not adversely affect protein function. These predictions have not been confirmed by published functional studies and their clinical significance is uncertain. Algorithms developed to predict the effect of sequence changes on RNA splicing suggest that this variant may create or strengthen a splice site, but this prediction has not been confirmed by published transcriptional studies. In summary, the available evidence is currently insufficient to determine the role of this variant in disease. Therefore, it has been classified as a Variant of Uncertain Significance.